The following is an entry in ClinVar:

NM_000368.5(TSC1):c.2269G>T (p.Glu757Ter)

Gene: TSC1 (TSC complex subunit 1; minus strand). Cytogenetic location: 9q34.13.
Variant type: single nucleotide variant.
Coding change: c.2269G>T on transcript NM_000368.5 (MANE Select); coding-DNA position 2269, G replaced by T.
Protein change: p.Glu757Ter; replaces glutamic acid 757 with a stop codon.
Molecular consequence: nonsense.
Genome position (GRCh38, 1-based): chr9:132,902,727, C>A on the plus strand (G>T on the coding strand, the complement: TSC1 is on the minus strand). VCF-style: chr9-132902727-C-A. GRCh37 (hg19) VCF-style: chr9-135778114-C-A.
Other names: c.2266G>T, p.Glu756Ter (NM_001162426.2); c.2116G>T, p.Glu706Ter (NM_001162427.2); c.1906G>T, p.Glu636Ter (NM_001362177.2); short protein forms E756*, E757*, E636*, E706*.
Identifiers: ClinVar variation 375297 (VCV000375297.3), dbSNP rs1057519319, ClinGen allele CA16044045.

ClinVar aggregate classification (germline): Likely pathogenic (1 of 4 stars; one submission).

Conditions:
Tuberous sclerosis 1 (TSC1). Identifiers: Orphanet 805, MedGen C1854465, MONDO:0008612, OMIM 191100.

Submission:

Diagnostics Division, CENTRE FOR DNA FINGERPRINTING AND DIAGNOSTICS
Classification: Likely pathogenic for Tuberous sclerosis 1. Last evaluated: 2016-01-01. Review status: criteria provided, single submitter. Criteria: ACMG Guidelines, 2015. Collection method: research. Allele origin: germline. Affected: yes. Observed: 1 heterozygote.
Comment: Nonsense variant